The following is an entry in ClinVar:

ClinVar aggregate classification (germline): Likely benign (1 of 4 stars; one submission).

gnomAD v4.1: 1 of 1,613,984 alleles (0.000062%); highest among the groups gnomAD compares: Non-Finnish European, 0.000085%; no homozygotes.

Submission:

Women's Health and Genetics/Laboratory Corporation of America, LabCorp
Classification: Likely benign. Last evaluated: 2024-08-05. Review status: criteria provided, single submitter. Criteria: LabCorp Variant Classification Summary - May 2015. Collection method: clinical testing. Allele origin: germline.
Comment: Variant summary: FBN2 c.4471+10C>T alters a non-conserved nucleotide located at a position not widely known to affect splicing. Consensus agreement among computation tools predict no significant impact on normal splicing. However, these predictions have yet to be confirmed by functional studies. The variant was absent in 251112 control chromosomes. The available data on variant occurrences in the general population are insufficient to allow any conclusion about variant significance. To our knowledge, no occurrence of c.4471+10C>T in individuals affected with FBN2-related conditions and no experimental evidence demonstrating its impact on protein function have been reported. No submitters have cited clinical-significance assessments for this variant to ClinVar. Based on the evidence outlined above, the variant was classified as likely benign.

NM_001999.4(FBN2):c.4471+10C>T

Gene: FBN2 (fibrillin 2; minus strand). Cytogenetic location: 5q23.3.
Variant type: single nucleotide variant.
Coding change: c.4471+10C>T on transcript NM_001999.4 (MANE Select); 10 bases into the intron after coding-DNA position 4471, C replaced by T.
Molecular consequence: intron variant.
Genome position (GRCh38, 1-based): chr5:128,328,686, G>A on the plus strand (C>T on the coding strand, the complement: FBN2 is on the minus strand). VCF-style: chr5-128328686-G-A. GRCh37 (hg19) VCF-style: chr5-127664378-G-A.
Identifiers: ClinVar variation 3366494 (VCV003366494.1).